The following is an entry in ClinVar:

NM_007055.4(POLR3A):c.1945A>G (p.Ser649Gly)

Gene: POLR3A (RNA polymerase III subunit A; minus strand). Cytogenetic location: 10q22.3.
Variant type: single nucleotide variant.
Coding change: c.1945A>G on transcript NM_007055.4 (MANE Select); coding-DNA position 1945, A replaced by G.
Protein change: p.Ser649Gly; replaces serine 649 with glycine.
Molecular consequence: missense variant.
Genome position (GRCh38, 1-based): chr10:78,007,831, T>C on the plus strand (A>G on the coding strand, the complement: POLR3A is on the minus strand). VCF-style: chr10-78007831-T-C. GRCh37 (hg19) VCF-style: chr10-79767589-T-C.
Other names: short protein forms S649G.
Identifiers: ClinVar variation 1516788 (VCV001516788.6), dbSNP rs1251415766, ClinGen allele CA377339972.

ClinVar aggregate classification (germline): Uncertain significance (1 of 4 stars; one submission).

Allele frequency attached by ClinVar (database versions not stated): gnomAD exomes below 0.00001 and 0.00001; TOPMed below 0.00001; gnomAD 0.00001.

Submission:

Labcorp Genetics (formerly Invitae), Labcorp
Classification: Uncertain significance. Last evaluated: 2025-05-12. Review status: criteria provided, single submitter. Criteria: Invitae Variant Classification Sherloc (09022015). Collection method: clinical testing. Allele origin: germline.
Comment: This sequence change replaces serine, which is neutral and polar, with glycine, which is neutral and non-polar, at codon 649 of the POLR3A protein (p.Ser649Gly). This variant is present in population databases (no rsID available, gnomAD 0.003%). This variant has not been reported in the literature in individuals affected with POLR3A-related conditions. ClinVar contains an entry for this variant (Variation ID: 1516788). Invitae Evidence Modeling of protein sequence and biophysical properties (such as structural, functional, and spatial information, amino acid conservation, physicochemical variation, residue mobility, and thermodynamic stability) indicates that this missense variant is not expected to disrupt POLR3A protein function with a negative predictive value of 80%. In summary, the available evidence is currently insufficient to determine the role of this variant in disease. Therefore, it has been classified as a Variant of Uncertain Significance.